The following is an entry in ClinVar:

NM_001283009.2(RTEL1):c.1807A>T (p.Ser603Cys)

Genes: RTEL1 (regulator of telomere elongation helicase 1; plus strand), RTEL1-TNFRSF6B (RTEL1-TNFRSF6B readthrough (NMD candidate); plus strand). Cytogenetic location: 20q13.33.
Variant type: single nucleotide variant.
Coding change: c.1807A>T on transcript NM_001283009.2 (MANE Select); coding-DNA position 1807, A replaced by T.
Protein change: p.Ser603Cys; replaces serine 603 with cysteine.
Molecular consequence: missense variant. On other transcripts: non-coding transcript variant (1).
Genome position (GRCh38, 1-based): chr20:63,689,061, A>T. VCF-style: chr20-63689061-A-T. GRCh37 (hg19) VCF-style: chr20-62320414-A-T.
Other names: c.1138A>T, p.Ser380Cys (NM_001283010.1); c.1807A>T, p.Ser603Cys (NM_016434.4); c.1879A>T, p.Ser627Cys (NM_032957.5); short protein forms S380C, S603C, S627C.
Identifiers: ClinVar variation 4629615 (VCV004629615.1).

ClinVar aggregate classification (germline): Uncertain significance (1 of 4 stars; one submission).

Conditions:
Inborn genetic diseases. Identifiers: MedGen C0950123, MeSH D030342.

Submission:

Ambry Genetics
Classification: Uncertain significance for Inborn genetic diseases. Last evaluated: 2025-11-20. Review status: criteria provided, single submitter. Criteria: Ambry Variant Classification Scheme 2023. Collection method: clinical testing. Allele origin: germline.
Comment: The p.S603C variant (also known as c.1807A>T), located in coding exon 21 of the RTEL1 gene, results from an A to T substitution at nucleotide position 1807. The serine at codon 603 is replaced by cysteine, an amino acid with dissimilar properties. This amino acid position is conserved. In addition, the in silico prediction for this alteration is inconclusive. Based on the available evidence, the clinical significance of this variant remains unclear.